The following is an entry in ClinVar:

NM_006231.4(POLE):c.2626T>C (p.Phe876Leu)

Gene: POLE (DNA polymerase epsilon, catalytic subunit; minus strand). Cytogenetic location: 12q24.33.
Variant type: single nucleotide variant.
Coding change: c.2626T>C on transcript NM_006231.4 (MANE Select); coding-DNA position 2626, T replaced by C.
Protein change: p.Phe876Leu; replaces phenylalanine 876 with leucine.
Molecular consequence: missense variant.
Genome position (GRCh38, 1-based): chr12:132,664,084, A>G on the plus strand (T>C on the coding strand, the complement: POLE is on the minus strand). VCF-style: chr12-132664084-A-G. GRCh37 (hg19) VCF-style: chr12-133240670-A-G.
Other names: c.2626T>C (NM_006231.2); short protein forms F876L.
Identifiers: ClinVar variation 568948 (VCV000568948.9), dbSNP rs1208731306, ClinGen allele CA387395552.

ClinVar aggregate classification (germline): Uncertain significance. Review status: criteria provided, multiple submitters, no conflicts (2 of 4 stars). 2 submissions from 2 submitters: Uncertain significance (2). Last evaluated 2025-09-12.

Conditions:
Hereditary cancer-predisposing syndrome. Also called: Neoplastic Syndromes, Hereditary; Tumor predisposition; Hereditary neoplastic syndrome; Hereditary Cancer Syndrome. Identifiers: Orphanet 140162, MedGen C0027672, MeSH D009386, MONDO:0015356.

gnomAD v4.1: 1 of 1,614,164 alleles (0.000062%); highest among the groups gnomAD compares: Non-Finnish European, 0.000085%; no homozygotes.

Submissions (2):

Labcorp Genetics (formerly Invitae), Labcorp
Classification: Uncertain significance. Last evaluated: 2025-09-12. Review status: criteria provided, single submitter. Criteria: Invitae Variant Classification Sherloc (09022015). Collection method: clinical testing. Allele origin: germline.
Comment: This sequence change replaces phenylalanine, which is neutral and non-polar, with leucine, which is neutral and non-polar, at codon 876 of the POLE protein (p.Phe876Leu). This variant is not present in population databases (gnomAD no frequency). This variant has not been reported in the literature in individuals affected with POLE-related conditions. ClinVar contains an entry for this variant (Variation ID: 568948). Invitae Evidence Modeling of protein sequence and biophysical properties (such as structural, functional, and spatial information, amino acid conservation, physicochemical variation, residue mobility, and thermodynamic stability) indicates that this missense variant is not expected to disrupt POLE protein function with a negative predictive value of 80%. In summary, the available evidence is currently insufficient to determine the role of this variant in disease. Therefore, it has been classified as a Variant of Uncertain Significance.

Ambry Genetics
Classification: Uncertain significance for Hereditary cancer-predisposing syndrome. Last evaluated: 2025-04-04. Review status: criteria provided, single submitter. Criteria: Ambry Variant Classification Scheme 2023. Collection method: clinical testing. Allele origin: germline.
Comment: The p.F876L variant (also known as c.2626T>C), located in coding exon 23 of the POLE gene, results from a T to C substitution at nucleotide position 2626. The phenylalanine at codon 876 is replaced by leucine, an amino acid with highly similar properties. This amino acid position is highly conserved in available vertebrate species. In addition, this alteration is predicted to be tolerated by in silico analysis. Based on the available evidence, the clinical significance of this variant remains unclear.